The following is an entry in ClinVar:

NM_004946.3(DOCK2):c.1900T>A (p.Leu634Ile)

Gene: DOCK2 (dedicator of cytokinesis 2; plus strand). Cytogenetic location: 5q35.1.
Variant type: single nucleotide variant.
Coding change: c.1900T>A on transcript NM_004946.3 (MANE Select); coding-DNA position 1900, T replaced by A.
Protein change: p.Leu634Ile; replaces leucine 634 with isoleucine.
Molecular consequence: missense variant. On other transcripts: non-coding transcript variant (1).
Genome position (GRCh38, 1-based): chr5:169,714,416, T>A. VCF-style: chr5-169714416-T-A. GRCh37 (hg19) VCF-style: chr5-169141420-T-A.
Other names: short protein forms L634I.
Identifiers: ClinVar variation 2115182 (VCV002115182.2), dbSNP rs2532627216, ClinGen allele CA362108188.

ClinVar aggregate classification (germline): Uncertain significance (1 of 4 stars; one submission).

Conditions:
DOCK2 deficiency. Also called: Immunodeficiency 40. Identifiers: Orphanet 447737, MedGen C4225328, MONDO:0014637, OMIM 616433.

Submission:

Labcorp Genetics (formerly Invitae), Labcorp
Classification: Uncertain significance for DOCK2 deficiency. Last evaluated: 2023-12-18. Review status: criteria provided, single submitter. Criteria: Invitae Variant Classification Sherloc (09022015). Collection method: clinical testing. Allele origin: germline.
Comment: This sequence change replaces leucine, which is neutral and non-polar, with isoleucine, which is neutral and non-polar, at codon 634 of the DOCK2 protein (p.Leu634Ile). This variant is not present in population databases (gnomAD no frequency). This variant has not been reported in the literature in individuals affected with DOCK2-related conditions. ClinVar contains an entry for this variant (Variation ID: 2115182). An algorithm developed to predict the effect of missense changes on protein structure and function (PolyPhen-2) suggests that this variant is likely to be disruptive. In summary, the available evidence is currently insufficient to determine the role of this variant in disease. Therefore, it has been classified as a Variant of Uncertain Significance.